The following is an entry in ClinVar:

NM_001082971.2(DDC):c.871G>A (p.Val291Met)

Gene: DDC (dopa decarboxylase; minus strand). Cytogenetic location: 7p12.2.
Variant type: single nucleotide variant.
Coding change: c.871G>A on transcript NM_001082971.2 (MANE Select); coding-DNA position 871, G replaced by A.
Protein change: p.Val291Met; replaces valine 291 with methionine.
Molecular consequence: missense variant.
Genome position (GRCh38, 1-based): chr7:50,499,153, C>T on the plus strand (G>A on the coding strand, the complement: DDC is on the minus strand). VCF-style: chr7-50499153-C-T. GRCh37 (hg19) VCF-style: chr7-50566851-C-T.
Other names: c.871G>A, p.Val291Met (NM_000790.4, NM_001242890.2); c.757G>A, p.Val253Met (NM_001242886.2); c.727G>A, p.Val243Met (NM_001242887.2); c.637G>A, p.Val213Met (NM_001242888.2); c.592G>A, p.Val198Met (NM_001242889.2); short protein forms V213M, V291M, V198M, V243M, V253M.
Identifiers: ClinVar variation 4617036 (VCV004617036.2).

ClinVar aggregate classification (germline): Uncertain significance. Review status: criteria provided, multiple submitters, no conflicts (2 of 4 stars). 2 submissions from 2 submitters: Uncertain significance (2). Last evaluated 2025-10-18.

Conditions:
Inborn genetic diseases. Identifiers: MedGen C0950123, MeSH D030342.

gnomAD v4.1: 4 of 1,612,646 alleles (0.00025%); highest among the groups gnomAD compares: Middle Eastern, 0.049%; no homozygotes.

Submissions (2):

Ambry Genetics
Classification: Uncertain significance for Inborn genetic diseases. Last evaluated: 2025-10-18. Review status: criteria provided, single submitter. Criteria: Ambry Variant Classification Scheme 2023. Collection method: clinical testing. Allele origin: germline.
Comment: The c.871G>A (p.V291M) alteration is located in exon 8 (coding exon 7) of the DDC gene. This alteration results from a G to A substitution at nucleotide position 871, causing the valine (V) at amino acid position 291 to be replaced by a methionine (M). Based on data from gnomAD, the A allele has an overall frequency of 0.001% (2/251340) total alleles studied. The highest observed frequency was <0.001% (/) of alleles. Based on insufficient or conflicting evidence, the clinical significance of this alteration remains unclear.

GeneDx
Classification: Uncertain significance. Last evaluated: 2025-07-29. Review status: criteria provided, single submitter. Criteria: GeneDx Variant Classification Process June 2021. Collection method: clinical testing. Allele origin: germline. Affected: yes.
Comment: Not observed at significant frequency in large population cohorts (gnomAD); In silico analysis supports that this missense variant has a deleterious effect on protein structure/function; Has not been previously published as pathogenic or benign to our knowledge